The following is an entry in ClinVar:

NM_002485.5(NBN):c.439T>C (p.Cys147Arg)

Gene: NBN (nibrin; minus strand). Cytogenetic location: 8q21.3.
Variant type: single nucleotide variant.
Coding change: c.439T>C on transcript NM_002485.5 (MANE Select); coding-DNA position 439, T replaced by C.
Protein change: p.Cys147Arg; replaces cysteine 147 with arginine.
Molecular consequence: missense variant.
Genome position (GRCh38, 1-based): chr8:89,980,775, A>G on the plus strand (T>C on the coding strand, the complement: NBN is on the minus strand). VCF-style: chr8-89980775-A-G. GRCh37 (hg19) VCF-style: chr8-90993003-A-G.
Other names: c.193T>C, p.Cys65Arg (NM_001024688.3, NM_001440379.1, NM_001440380.1); short protein forms C147R, C65R.
Identifiers: ClinVar variation 4117259 (VCV004117259.1).

ClinVar aggregate classification (germline): Uncertain significance (1 of 4 stars; one submission).

Conditions:
Hereditary cancer-predisposing syndrome. Also called: Hereditary neoplastic syndrome; Neoplastic Syndromes, Hereditary; Tumor predisposition; Hereditary Cancer Syndrome. Identifiers: Orphanet 140162, MedGen C0027672, MeSH D009386, MONDO:0015356.

gnomAD v4.1: 1 of 1,613,588 alleles (0.000062%); highest among the groups gnomAD compares: East Asian, 0.0022%; no homozygotes.

Submission:

Ambry Genetics
Classification: Uncertain significance for Hereditary cancer-predisposing syndrome. Last evaluated: 2025-06-20. Review status: criteria provided, single submitter. Criteria: Ambry Variant Classification Scheme 2023. Collection method: clinical testing. Allele origin: germline.
Comment: The p.C147R variant (also known as c.439T>C), located in coding exon 4 of the NBN gene, results from a T to C substitution at nucleotide position 439. The cysteine at codon 147 is replaced by arginine, an amino acid with highly dissimilar properties. This amino acid position is conserved. In addition, this alteration is predicted to be deleterious by in silico analysis. Based on the available evidence, the clinical significance of this variant remains unclear.